The following is an entry in ClinVar:

ClinVar aggregate classification (germline): Likely pathogenic (1 of 4 stars; one submission).

Submission:

Labcorp Genetics (formerly Invitae), Labcorp
Classification: Likely pathogenic. Last evaluated: 2024-09-20. Review status: criteria provided, single submitter. Criteria: Invitae Variant Classification Sherloc (09022015). Collection method: clinical testing. Allele origin: germline.
Comment: This sequence change affects a splice site in intron 11 of the COL11A1 gene. It is expected to disrupt RNA splicing. Variants that disrupt the donor or acceptor splice site typically lead to a loss of protein function (PMID: 16199547), and loss-of-function variants in COL11A1 are known to be pathogenic (PMID: 20513134, 21035103, 23922384, 25240749, 32427345, 32756486). This variant is not present in population databases (gnomAD no frequency). This variant has not been reported in the literature in individuals affected with COL11A1-related conditions. Algorithms developed to predict the effect of sequence changes on RNA splicing suggest that this variant may disrupt the consensus splice site. In summary, the currently available evidence indicates that the variant is pathogenic, but additional data are needed to prove that conclusively. Therefore, this variant has been classified as Likely Pathogenic.

Literature cited by the submitters: PubMed 16199547; PubMed 20513134; PubMed 21035103; PubMed 23922384; PubMed 25240749; PubMed 32427345; PubMed 32756486.

NM_001854.4(COL11A1):c.1413+2del

Gene: COL11A1 (collagen type XI alpha 1 chain; minus strand). Cytogenetic location: 1p21.1.
Variant type: Deletion.
Coding change: c.1413+2del on transcript NM_001854.4 (MANE Select); the canonical splice donor site of the intron after coding-DNA position 1413, one base deleted (T; older notation c.1413+2delT).
Molecular consequence: splice donor variant.
Genome position (GRCh38, 1-based): chr1:103,017,818, A deleted on the plus strand (T on the coding strand, the reverse complement: COL11A1 is on the minus strand). VCF-style (leftmost placement, unchanged base first): chr1-103017817-TA-T. GRCh37 (hg19) VCF-style: chr1-103483373-TA-T.
Other names: c.1296+2del (NM_001190709.2); c.1449+2del (NM_080629.3); c.1065+2del (NM_080630.4).
Identifiers: ClinVar variation 3716950 (VCV003716950.2).